The following is an entry in ClinVar:

NM_002471.4(MYH6):c.4645G>A (p.Ala1549Thr)

Gene: MYH6 (myosin heavy chain 6; minus strand). Cytogenetic location: 14q11.2.
Variant type: single nucleotide variant.
Coding change: c.4645G>A on transcript NM_002471.4 (MANE Select); coding-DNA position 4645, G replaced by A.
Protein change: p.Ala1549Thr; replaces alanine 1549 with threonine.
Molecular consequence: missense variant.
Genome position (GRCh38, 1-based): chr14:23,387,534, C>T on the plus strand (G>A on the coding strand, the complement: MYH6 is on the minus strand). VCF-style: chr14-23387534-C-T. GRCh37 (hg19) VCF-style: chr14-23856743-C-T.
Other names: short protein forms A1549T.
Identifiers: ClinVar variation 978296 (VCV000978296.12), dbSNP rs1342437470, ClinGen allele CA388995702.

ClinVar aggregate classification (germline): Uncertain significance. Review status: criteria provided, multiple submitters, no conflicts (2 of 4 stars). 3 submissions from 3 submitters: Uncertain significance (3). Last evaluated 2023-12-29.

Conditions:
Cardiovascular phenotype. Identifiers: MedGen CN230736.
Hypertrophic cardiomyopathy 14. Identifiers: MedGen C2750467, MONDO:0013197, OMIM 613251.
Hypertrophic cardiomyopathy 1 (CMH1). Also called: Familial hypertrophic cardiomyopathy 1; MYH7-Related Familial Hypertrophic Cardiomyopathy. Identifiers: MedGen C3495498, MONDO:0008647, OMIM 192600.

Allele frequency attached by ClinVar (database versions not stated): gnomAD exomes below 0.00001.

Submissions (3):

Ambry Genetics
Classification: Uncertain significance for Cardiovascular phenotype. Last evaluated: 2023-12-29. Review status: criteria provided, single submitter. Criteria: Ambry Variant Classification Scheme 2023. Collection method: clinical testing. Allele origin: germline.
Comment: The p.A1549T variant (also known as c.4645G>A), located in coding exon 30 of the MYH6 gene, results from a G to A substitution at nucleotide position 4645. The alanine at codon 1549 is replaced by threonine, an amino acid with similar properties. This amino acid position is conserved. In addition, the in silico prediction for this alteration is inconclusive. Since supporting evidence is limited at this time, the clinical significance of this alteration remains unclear.

Labcorp Genetics (formerly Invitae), Labcorp
Classification: Uncertain significance for Hypertrophic cardiomyopathy 14. Last evaluated: 2022-10-13. Review status: criteria provided, single submitter. Criteria: Invitae Variant Classification Sherloc (09022015). Collection method: clinical testing. Allele origin: germline.
Comment: ClinVar contains an entry for this variant (Variation ID: 978296). This variant has not been reported in the literature in individuals affected with MYH6-related conditions. This variant is present in population databases (no rsID available, gnomAD 0.0009%). This sequence change replaces alanine, which is neutral and non-polar, with threonine, which is neutral and polar, at codon 1549 of the MYH6 protein (p.Ala1549Thr). Advanced modeling of protein sequence and biophysical properties (such as structural, functional, and spatial information, amino acid conservation, physicochemical variation, residue mobility, and thermodynamic stability) performed at Invitae indicates that this missense variant is not expected to disrupt MYH6 protein function. In summary, the available evidence is currently insufficient to determine the role of this variant in disease. Therefore, it has been classified as a Variant of Uncertain Significance.

Molecular Diagnostic Laboratory for Inherited Cardiovascular Disease, Montreal Heart Institute
Classification: Uncertain significance for Hypertrophic cardiomyopathy 1. Last evaluated: 2020-01-21. Review status: criteria provided, single submitter. Criteria: ACMG Guidelines, 2015. Collection method: clinical testing. Allele origin: germline. Affected: yes.